The following is an entry in ClinVar:

ClinVar aggregate classification (germline): Uncertain significance (1 of 4 stars; one submission).

Submission:

Labcorp Genetics (formerly Invitae), Labcorp
Classification: Uncertain significance. Last evaluated: 2025-05-07. Review status: criteria provided, single submitter. Criteria: Invitae Variant Classification Sherloc (09022015). Collection method: clinical testing. Allele origin: germline.
Comment: This sequence change replaces glycine, which is neutral and non-polar, with arginine, which is basic and polar, at codon 433 of the SBF1 protein (p.Gly433Arg). This variant is not present in population databases (gnomAD no frequency). This variant has not been reported in the literature in individuals affected with SBF1-related conditions. Invitae Evidence Modeling of protein sequence and biophysical properties (such as structural, functional, and spatial information, amino acid conservation, physicochemical variation, residue mobility, and thermodynamic stability) indicates that this missense variant is expected to disrupt SBF1 protein function with a positive predictive value of 80%. In summary, the available evidence is currently insufficient to determine the role of this variant in disease. Therefore, it has been classified as a Variant of Uncertain Significance.

NM_002972.4(SBF1):c.1297G>C (p.Gly433Arg)

Gene: SBF1 (SET binding factor 1; minus strand). Cytogenetic location: 22q13.33.
Variant type: single nucleotide variant.
Coding change: c.1297G>C on transcript NM_002972.4 (MANE Select); coding-DNA position 1297, G replaced by C.
Protein change: p.Gly433Arg; replaces glycine 433 with arginine.
Molecular consequence: missense variant.
Genome position (GRCh38, 1-based): chr22:50,465,036, C>G on the plus strand (G>C on the coding strand, the complement: SBF1 is on the minus strand). VCF-style: chr22-50465036-C-G. GRCh37 (hg19) VCF-style: chr22-50903465-C-G.
Other names: c.1300G>C, p.Gly434Arg (NM_001365819.1, NM_001410794.1); c.1297G>C, p.Gly433Arg (NM_001410795.1); short protein forms G433R, G434R.
Identifiers: ClinVar variation 4811690 (VCV004811690.1).